The following is an entry in ClinVar:

NC_000002.11:g.(?_112656313)_(112786441_?)dup

Gene: MERTK (MER proto-oncogene, tyrosine kinase; plus strand). Cytogenetic location: 2q13.
Variant type: Duplication.
Identifiers: ClinVar variation 1064224 (VCV001064224.2).

ClinVar aggregate classification (germline): Uncertain significance (1 of 4 stars; one submission).

Submission:

Labcorp Genetics (formerly Invitae), Labcorp
Classification: Uncertain significance. Last evaluated: 2022-09-27. Review status: criteria provided, single submitter. Criteria: Invitae Variant Classification Sherloc (09022015). Collection method: clinical testing. Allele origin: germline.
Comment: A copy number gain of the genomic region encompassing the full coding sequence of the MERTK gene has been identified. The boundaries of this event are unknown as they extend beyond the assayed region for this gene and therefore may encompass additional genes. As the precise location of this event is unknown, it may be in tandem or it may be located elsewhere in the genome. This variant has not been reported in the literature in individuals affected with MERTK-related conditions. In summary, the available evidence is currently insufficient to determine the role of this variant in disease. Therefore, it has been classified as a Variant of Uncertain Significance.